The following is an entry in ClinVar:

ClinVar aggregate classification (germline): Uncertain significance. Review status: criteria provided, multiple submitters, no conflicts (2 of 4 stars). 8 submissions from 8 submitters: Uncertain significance (8). Last evaluated 2026-01-04.

Conditions:
Colorectal cancer, susceptibility to, 12 (CRCS12). Also called: COLORECTAL CANCER, SUSCEPTIBILITY TO, ON CHROMOSOME 12q24. Identifiers: Orphanet 220460, MedGen C3554460, MONDO:0014038, OMIM 615083.
Hereditary cancer-predisposing syndrome. Also called: Hereditary Cancer Syndrome; Hereditary neoplastic syndrome; Neoplastic Syndromes, Hereditary; Tumor predisposition. Identifiers: Orphanet 140162, MedGen C0027672, MeSH D009386, MONDO:0015356.

Allele frequency attached by ClinVar (database versions not stated): gnomAD 0.00009; TOPMed 0.00012; ESP Exome Variant Server 0.00015; 1000 Genomes Project 30x 0.00016.
gnomAD v4.1: 237 of 1,613,644 alleles (0.015%); highest among the groups gnomAD compares: Non-Finnish European, 0.017%; no homozygotes.

Submissions (8):

Labcorp Genetics (formerly Invitae), Labcorp
Classification: Uncertain significance. Last evaluated: 2026-01-04. Review status: criteria provided, single submitter. Criteria: Invitae Variant Classification Sherloc (09022015). Collection method: clinical testing. Allele origin: germline.
Comment: This sequence change replaces arginine, which is basic and polar, with cysteine, which is neutral and slightly polar, at codon 1077 of the POLE protein (p.Arg1077Cys). This variant is present in population databases (rs149777592, gnomAD 0.02%). This missense change has been observed in individual(s) with colorectal cancer (PMID: 29212164). ClinVar contains an entry for this variant (Variation ID: 405597). Invitae Evidence Modeling of protein sequence and biophysical properties (such as structural, functional, and spatial information, amino acid conservation, physicochemical variation, residue mobility, and thermodynamic stability) indicates that this missense variant is not expected to disrupt POLE protein function with a negative predictive value of 80%. In summary, the available evidence is currently insufficient to determine the role of this variant in disease. Therefore, it has been classified as a Variant of Uncertain Significance.

GeneDx
Classification: Uncertain significance. Last evaluated: 2025-06-11. Review status: criteria provided, single submitter. Criteria: GeneDx Variant Classification Process June 2021. Collection method: clinical testing. Allele origin: germline. Affected: yes.
Comment: In silico analysis supports that this missense variant has a deleterious effect on protein structure/function; Observed in individuals with colorectal and other cancers (PMID: 26580448, 28873162, 29212164); This variant is associated with the following publications: (PMID: 26580448, 25194279, 28166811, 28873162, 29212164, 29338072)

Institute for Biomarker Research, Medical Diagnostic Laboratories, L.L.C.
Classification: Uncertain significance for Hereditary cancer-predisposing syndrome. Last evaluated: 2025-01-15. Review status: criteria provided, single submitter. Criteria: ACMG Guidelines, 2015. Collection method: clinical testing. Allele origin: germline.
Comment: The missense variant NM_006231.4(POLE):c.3229C>T (p.Arg1077Cys) has not been reported previously as a pathogenic variant nor as a benign variant, to our knowledge. There is a large physicochemical difference between arginine and cysteine, which is likely to impact secondary protein structure as these residues differ in polarity, charge, size and/or other properties.The p.Arg1077Cys missense variant is predicted to be damaging by both SIFT and PolyPhen2. The arginine residue at codon 1077 of POLE is conserved in all mammalian species. The nucleotide c.3229 in POLE is predicted conserved by GERP++ and PhyloP across 100 vertebrates. For these reasons, this variant has been classified as Uncertain Significance

Ambry Genetics
Classification: Uncertain significance for Hereditary cancer-predisposing syndrome. Last evaluated: 2024-12-10. Review status: criteria provided, single submitter. Criteria: Ambry Variant Classification Scheme 2023. Collection method: clinical testing. Allele origin: germline.
Comment: The p.R1077C variant (also known as c.3229C>T), located in coding exon 26 of the POLE gene, results from a C to T substitution at nucleotide position 3229. The arginine at codon 1077 is replaced by cysteine, an amino acid with highly dissimilar properties. This amino acid position is highly conserved in available vertebrate species. In addition, the in silico prediction for this alteration is inconclusive. Based on the available evidence, the clinical significance of this variant remains unclear.

Mayo Clinic Laboratories, Mayo Clinic
Classification: Uncertain significance. Last evaluated: 2024-05-21. Review status: criteria provided, single submitter. Criteria: ACMG Guidelines, 2015. Collection method: clinical testing. Allele origin: germline. Observed: 2 variant alleles.

St. Jude Molecular Pathology, St. Jude Children's Research Hospital
Classification: Uncertain significance for Colorectal cancer, susceptibility to, 12. Last evaluated: 2024-03-04. Review status: criteria provided, single submitter. Criteria: St. Jude Assertion Criteria 2020. Collection method: clinical testing. Allele origin: germline.
Comment: The POLE c.3229C>T (p.Arg1077Cys) missense change has a maximum subpopulation frequency of 0.016% in gnomAD v2.1.1. The in silico tool REVEL is inconclusive about a pathogenic or benign effect of this variant on protein function, and to our knowledge functional studies have not been performed. The variant is not located within the exonuclease domain. To our knowledge, this variant has not been reported in the literature in individuals with POLE-related disease. In summary, the evidence currently available is insufficient to determine the clinical significance of this variant. It has therefore been classified as of uncertain significance.

Quest Diagnostics Nichols Institute San Juan Capistrano
Classification: Uncertain significance. Last evaluated: 2019-12-10. Review status: criteria provided, single submitter. Criteria: Quest Diagnostics criteria. Collection method: clinical testing. Allele origin: unknown.

Breakthrough Genomics
Classification: Uncertain significance. Review status: criteria provided, single submitter. Criteria: ACMG Guidelines, 2015. Collection method: not provided. Allele origin: germline. Inheritance: Autosomal recessive inheritance. Affected: yes.

Literature cited by the submitters: PubMed 29212164 (cited by 3 submitters).

NM_006231.4(POLE):c.3229C>T (p.Arg1077Cys)

Gene: POLE (DNA polymerase epsilon, catalytic subunit; minus strand). Cytogenetic location: 12q24.33.
Variant type: single nucleotide variant.
Coding change: c.3229C>T on transcript NM_006231.4 (MANE Select); coding-DNA position 3229, C replaced by T.
Protein change: p.Arg1077Cys; replaces arginine 1077 with cysteine.
Molecular consequence: missense variant.
Genome position (GRCh38, 1-based): chr12:132,659,341, G>A on the plus strand (C>T on the coding strand, the complement: POLE is on the minus strand). VCF-style: chr12-132659341-G-A. GRCh37 (hg19) VCF-style: chr12-133235927-G-A.
Other names: p.Arg1077Cys; short protein forms R1077C.
Identifiers: ClinVar variation 405597 (VCV000405597.26), dbSNP rs149777592, ClinGen allele CA6893335.